The following is an entry in ClinVar:

ClinVar aggregate classification (germline): Uncertain significance. Review status: criteria provided, multiple submitters, no conflicts (2 of 4 stars). 2 submissions from 2 submitters: Uncertain significance (2). Last evaluated 2025-01-27.

Conditions:
Wiedemann-Steiner syndrome (WDSTS). Also called: Growth deficiency and mental retardation with facial dysmorphism. Identifiers: Orphanet 319182, MedGen C1854630, MONDO:0011518, OMIM 605130.

gnomAD v4.1: 3 of 1,612,938 alleles (0.00019%); highest among the groups gnomAD compares: Non-Finnish European, 0.00025%; no homozygotes.

Submissions (2):

Labcorp Genetics (formerly Invitae), Labcorp
Classification: Uncertain significance. Last evaluated: 2025-01-27. Review status: criteria provided, single submitter. Criteria: Invitae Variant Classification Sherloc (09022015). Collection method: clinical testing. Allele origin: germline.
Comment: This sequence change replaces glutamic acid, which is acidic and polar, with lysine, which is basic and polar, at codon 501 of the KMT2A protein (p.Glu501Lys). This variant is present in population databases (no rsID available, gnomAD 0.0009%). This variant has not been reported in the literature in individuals affected with KMT2A-related conditions. Invitae Evidence Modeling of protein sequence and biophysical properties (such as structural, functional, and spatial information, amino acid conservation, physicochemical variation, residue mobility, and thermodynamic stability) has been performed for this missense variant. However, the output from this modeling did not meet the statistical confidence thresholds required to predict the impact of this variant on KMT2A protein function. In summary, the available evidence is currently insufficient to determine the role of this variant in disease. Therefore, it has been classified as a Variant of Uncertain Significance.

Daryl Scott Lab, Baylor College of Medicine
Classification: Uncertain significance for Wiedemann-Steiner syndrome. Review status: criteria provided, single submitter. Criteria: ACMG Guidelines, 2015. Collection method: clinical testing. Allele origin: maternal. Affected: yes. Observed: 1 heterozygote.
Comment: BS2

NM_001197104.2(KMT2A):c.1501G>A (p.Glu501Lys)

Gene: KMT2A (lysine methyltransferase 2A; plus strand). Cytogenetic location: 11q23.3.
Variant type: single nucleotide variant.
Coding change: c.1501G>A on transcript NM_001197104.2 (MANE Select); coding-DNA position 1501, G replaced by A.
Protein change: p.Glu501Lys; replaces glutamic acid 501 with lysine.
Molecular consequence: missense variant.
Genome position (GRCh38, 1-based): chr11:118,472,660, G>A. VCF-style: chr11-118472660-G-A. GRCh37 (hg19) VCF-style: chr11-118343375-G-A.
Other names: c.1600G>A, p.Glu534Lys (NM_001412597.1); c.1501G>A, p.Glu501Lys (NM_005933.4); short protein forms E534K, E501K.
Identifiers: ClinVar variation 3681753 (VCV003681753.3).